The following is an entry in ClinVar:

ClinVar aggregate classification (germline): Uncertain significance. Review status: criteria provided, multiple submitters, no conflicts (2 of 4 stars). 4 submissions from 4 submitters: Uncertain significance (4). Last evaluated 2026-07-07.

Conditions:
RYR1-related disorder. Also called: RYR1-related condition; RYR1-related disorders. Identifiers: MedGen CN239331.
Inborn genetic diseases. Identifiers: MedGen C0950123, MeSH D030342.

Allele frequency attached by ClinVar (database versions not stated): ExAC 0.00002; gnomAD exomes 0.00004 and 0.00001; gnomAD 0.00007 and 0.00008; TOPMed 0.00008.
gnomAD v4.1: 22 of 1,613,836 alleles (0.0014%); highest among the groups gnomAD compares: African/African-American, 0.017%; no homozygotes.

Submissions (4):

Ambry Genetics
Classification: Uncertain significance for Inborn genetic diseases. Last evaluated: 2026-07-07. Review status: criteria provided, single submitter. Criteria: Ambry Variant Classification Scheme 2023. Collection method: clinical testing. Allele origin: germline.
Comment: The p.T253I variant (also known as c.758C>T), located in coding exon 9 of the RYR1 gene, results from a C to T substitution at nucleotide position 758. The threonine at codon 253 is replaced by isoleucine, an amino acid with similar properties. This amino acid position is conserved. In addition, this alteration is predicted to be deleterious by in silico analysis. Based on the available evidence, the clinical significance of this variant remains unclear.

GeneDx
Classification: Uncertain significance. Last evaluated: 2026-04-14. Review status: criteria provided, single submitter. Criteria: GeneDx Variant Classification Process June 2021. Collection method: clinical testing. Allele origin: germline.
Comment: In silico analysis suggests that this missense variant does not alter protein structure/function; Has not been previously published as pathogenic or benign to our knowledge; This variant is associated with the following publications: (PMID: 33767344)

Dasa
Classification: Uncertain significance. Last evaluated: 2025-06-18. Review status: criteria provided, single submitter. Criteria: DASA Assertion Criteria. Collection method: clinical testing. Allele origin: germline.
Comment: NM_000540.3(RYR1):c.758C>T (p.Thr253Ile) is a missense variant that results in the substitution of threonine with isoleucine. This variant is rare in population databases. Computational prediction algorithms are consistent with a deleterious effect. The currently available literature and clinical evidence are not sufficient to establish a definitive association between this variant and the reported condition. Therefore, this variant is classified as a variant of uncertain significance.

Labcorp Genetics (formerly Invitae), Labcorp
Classification: Uncertain significance for RYR1-related disorder. Last evaluated: 2025-06-14. Review status: criteria provided, single submitter. Criteria: Invitae Variant Classification Sherloc (09022015). Collection method: clinical testing. Allele origin: germline.
Comment: This sequence change replaces threonine, which is neutral and polar, with isoleucine, which is neutral and non-polar, at codon 253 of the RYR1 protein (p.Thr253Ile). This variant is present in population databases (rs749073447, gnomAD 0.02%). This variant has not been reported in the literature in individuals affected with RYR1-related conditions. ClinVar contains an entry for this variant (Variation ID: 1444329). Invitae Evidence Modeling of protein sequence and biophysical properties (such as structural, functional, and spatial information, amino acid conservation, physicochemical variation, residue mobility, and thermodynamic stability) indicates that this missense variant is not expected to disrupt RYR1 protein function with a negative predictive value of 95%. In summary, the available evidence is currently insufficient to determine the role of this variant in disease. Therefore, it has been classified as a Variant of Uncertain Significance.

NM_000540.3(RYR1):c.758C>T (p.Thr253Ile)

Gene: RYR1 (ryanodine receptor 1; plus strand). Cytogenetic location: 19q13.2.
Variant type: single nucleotide variant.
Coding change: c.758C>T on transcript NM_000540.3 (MANE Select); coding-DNA position 758, C replaced by T.
Protein change: p.Thr253Ile; replaces threonine 253 with isoleucine.
Molecular consequence: missense variant.
Genome position (GRCh38, 1-based): chr19:38,446,726, C>T. VCF-style: chr19-38446726-C-T. GRCh37 (hg19) VCF-style: chr19-38937366-C-T.
Other names: c.758C>T (NM_000540.2); c.758C>T, p.Thr253Ile (NM_001042723.2); short protein forms T253I.
Identifiers: ClinVar variation 1444329 (VCV001444329.12), dbSNP rs749073447, ClinGen allele CA069788.